The following is an entry in ClinVar:

NM_001283.5(AP1S1):c.363G>T (p.Gly121=)

Gene: AP1S1 (adaptor related protein complex 1 subunit sigma 1; plus strand). Cytogenetic location: 7q22.1.
Variant type: single nucleotide variant.
Coding change: c.363G>T on transcript NM_001283.5 (MANE Select); coding-DNA position 363, G replaced by T.
Protein change: p.Gly121=; no amino-acid change (glycine 121 retained).
Molecular consequence: synonymous variant.
Genome position (GRCh38, 1-based): chr7:101,159,130, G>T. VCF-style: chr7-101159130-G-T. GRCh37 (hg19) VCF-style: chr7-100802411-G-T.
Identifiers: ClinVar variation 739496 (VCV000739496.35), dbSNP rs142485973, ClinGen allele CA4405992.
Genomic context (GRCh38, chr7:101,159,130, plus strand): 5'-GGACATCATCTTCAACTTTGAGAAGGCCTACTTCATCCTGGATGAGTTTTTGATGGGGGG[G>T]GATGTCCAGGACACCTCCAAGAAGAGTGTGCTGAAAGCCATCGAGCAGGCTGACCTACTG-3'
Protein context (NP_001274.1, residues 111-131): YFILDEFLMG[Gly121=]DVQDTSKKSV

ClinVar aggregate classification (germline): Likely benign. Review status: criteria provided, multiple submitters, no conflicts (2 of 4 stars). 3 submissions from 3 submitters: Likely benign (2). 1 of the submissions does not count toward it. Last evaluated 2026-01-05.

Conditions:
AP1S1-related disorder. Also called: AP1S1-related condition.

Allele frequency attached by ClinVar (database versions not stated): ExAC 0.00013; gnomAD exomes 0.00014 and 0.00018; gnomAD 0.00015 and 0.00016; TOPMed 0.00015; 1000 Genomes Project 30x 0.00016; 1000 Genomes Project 0.00020; ESP Exome Variant Server 0.00024.
gnomAD v4.1: 290 of 1,613,774 alleles (0.018%); highest among the groups gnomAD compares: Non-Finnish European, 0.022%; no homozygotes.

Submissions (4):

Labcorp Genetics (formerly Invitae), Labcorp
Classification: Likely benign. Last evaluated: 2026-01-05. Review status: criteria provided, single submitter. Criteria: Invitae Variant Classification Sherloc (09022015). Collection method: clinical testing. Allele origin: germline.

CeGaT Center for Human Genetics Tuebingen
Classification: Likely benign. Last evaluated: 2023-07-01. Review status: criteria provided, single submitter. Criteria: CeGaT Center For Human Genetics Tuebingen Variant Classification Criteria Version 2. Collection method: clinical testing. Allele origin: germline. Affected: yes. Observed: 1 variant allele.
Comment: AP1S1: BP4, BP7

PreventionGenetics, part of Exact Sciences
Classification: Likely benign for AP1S1-related condition. Last evaluated: 2021-05-20. Review status: no assertion criteria provided. Collection method: clinical testing. Allele origin: germline. Not counted in ClinVar's aggregate classification.
Comment: This variant is classified as likely benign based on ACMG/AMP sequence variant interpretation guidelines (Richards et al. 2015 PMID: 25741868, with internal and published modifications).

Dr. Peter K. Rogan Lab, Western University
No classification provided (evidence only). Condition: Thyroid cancer, nonmedullary, 1. Review status: no classification provided. Collection method: in vitro. Allele origin: not applicable. Functional consequence: retained intron. Not counted in ClinVar's aggregate classification.